The following is an entry in ClinVar:

ClinVar aggregate classification (germline): Uncertain significance (1 of 4 stars; one submission).

gnomAD v4.1: 12 of 1,210,178 alleles (0.00099%); highest among the groups gnomAD compares: Non-Finnish European, 0.0013%; no homozygotes.

Submission:

GeneDx
Classification: Uncertain significance. Last evaluated: 2026-04-19. Review status: criteria provided, single submitter. Criteria: GeneDx Variant Classification Process June 2021. Collection method: clinical testing. Allele origin: germline.
Comment: Not observed at significant frequency in large population cohorts (gnomAD); In silico analysis suggests that this missense variant does not alter protein structure/function; Has not been previously published as pathogenic or benign to our knowledge

NM_031407.7(HUWE1):c.1081G>C (p.Val361Leu)

Gene: HUWE1 (HECT, UBA and WWE domain containing E3 ubiquitin protein ligase 1; minus strand). Cytogenetic location: Xp11.22.
Variant type: single nucleotide variant.
Coding change: c.1081G>C on transcript NM_031407.7 (MANE Select); coding-DNA position 1081, G replaced by C.
Protein change: p.Val361Leu; replaces valine 361 with leucine.
Molecular consequence: missense variant.
Genome position (GRCh38, 1-based): chrX:53,628,785, C>G on the plus strand (G>C on the coding strand, the complement: HUWE1 is on the minus strand). VCF-style: chrX-53628785-C-G. GRCh37 (hg19) VCF-style: chrX-53655736-C-G.
Other names: c.1081G>C, p.Val361Leu (NM_001441048.1, NM_001441049.1, NM_001441051.1 and 6 more transcripts); c.1102G>C, p.Val368Leu (NM_001441050.1, NM_001441055.1); short protein forms V361L, V368L.
Identifiers: ClinVar variation 5037708 (VCV005037708.1).